The following is an entry in ClinVar:

NM_014714.4(IFT140):c.156C>T (p.Cys52=)

Genes: IFT140 (intraflagellar transport 140; minus strand), LOC105371046 (uncharacterized LOC105371046; plus strand). Cytogenetic location: 16p13.3.
Variant type: single nucleotide variant.
Coding change: c.156C>T on transcript NM_014714.4 (MANE Select); coding-DNA position 156, C replaced by T.
Protein change: p.Cys52=; no amino-acid change (cysteine 52 retained).
Molecular consequence: synonymous variant.
Genome position (GRCh38, 1-based): chr16:1,602,583, G>A on the plus strand (C>T on the coding strand, the complement: IFT140 is on the minus strand). VCF-style: chr16-1602583-G-A. GRCh37 (hg19) VCF-style: chr16-1652584-G-A.
Identifiers: ClinVar variation 1557339 (VCV001557339.26), dbSNP rs759512538, ClinGen allele CA7814800.

ClinVar aggregate classification (germline): Likely benign. Review status: criteria provided, multiple submitters, no conflicts (2 of 4 stars). 3 submissions from 3 submitters: Likely benign (3). Last evaluated 2025-07-03.

Conditions:
Saldino-Mainzer syndrome (SRTD9). Also called: Renal dysplasia, retinal pigmentary dystrophy, cerebellar ataxia and skeletal dysplasia; CONORENAL SYNDROME; short-rib thoracic dysplasia 9 with or without polydactyly; SHORT-RIB THORACIC DYSPLASIA 9 WITHOUT POLYDACTYLY. Identifiers: Orphanet 140969, MedGen C1849437, MONDO:0009964, OMIM 266920.

Allele frequency attached by ClinVar (database versions not stated): ExAC 0.00001; TOPMed 0.00001; gnomAD exomes 0.00002.
gnomAD v4.1: 30 of 1,611,426 alleles (0.0019%); highest among the groups gnomAD compares: Middle Eastern, 0.019%; no homozygotes.

Submissions (3):

Labcorp Genetics (formerly Invitae), Labcorp
Classification: Likely benign for Saldino-Mainzer syndrome. Last evaluated: 2025-07-03. Review status: criteria provided, single submitter. Criteria: Invitae Variant Classification Sherloc (09022015). Collection method: clinical testing. Allele origin: germline.

Blueprint Genetics
Classification: Likely benign. Last evaluated: 2024-10-31. Review status: criteria provided, single submitter. Criteria: ACMG Guidelines, 2015. Collection method: clinical testing. Allele origin: germline.

CeGaT Center for Human Genetics Tuebingen
Classification: Likely benign. Last evaluated: 2024-07-01. Review status: criteria provided, single submitter. Criteria: CeGaT Center For Human Genetics Tuebingen Variant Classification Criteria Version 2. Collection method: clinical testing. Allele origin: germline. Affected: yes. Observed: 1 variant allele.
Comment: IFT140: BP4, BP7